The following is an entry in ClinVar:

ClinVar aggregate classification (germline): Uncertain significance (1 of 4 stars; one submission).

Conditions:
Glycogen storage disease, type II (IOPD). Also called: Pompe Disease; CARDIOMEGALIA GLYCOGENICA DIFFUSA; GLYCOGENOSIS, GENERALIZED, CARDIAC FORM; GSD II; POMPE DISEASE, INFANTILE-ONSET; GLYCOGEN STORAGE DISEASE II, INFANTILE-ONSET. Identifiers: Orphanet 365, MedGen C0017921, MONDO:0009290, OMIM 232300.

Submission:

Genomenon, Inc
Classification: Uncertain significance for Glycogen storage disease, type II. Last evaluated: 2026-07-01. Review status: criteria provided, single submitter. Criteria: Genomenon Sequence Variant Interpretation Standards - Updated. Collection method: curation. Allele origin: germline. Affected: yes.
Comment: GAA c.2647-3C>G is an intronic variant located in the acceptor splice region of intron 18. This variant has been observed in at least one proband with a GAA-related disorder in the compound heterozygous and/or homozygous state (PMID:27927596). It is absent or not present at a significant frequency in gnomAD. In conclusion, we classify GAA c.2647-3C>G as a variant of uncertain significance.

Literature cited by the submitters: PubMed 27927596.

NM_000152.5(GAA):c.2647-3C>G

Gene: GAA (alpha glucosidase; plus strand). Cytogenetic location: 17q25.3.
Variant type: single nucleotide variant.
Coding change: c.2647-3C>G on transcript NM_000152.5 (MANE Select); 3 bases into the intron before coding-DNA position 2647, C replaced by G.
Molecular consequence: intron variant.
Genome position (GRCh38, 1-based): chr17:80,118,650, C>G. VCF-style: chr17-80118650-C-G. GRCh37 (hg19) VCF-style: chr17-78092449-C-G.
Other names: c.2647-3C>G (NM_001406741.1, NM_001406742.1, NM_001079803.3 and 1 more transcripts).
Identifiers: ClinVar variation 4876393 (VCV004876393.1).